The following continues an entry in ClinVar:

NM_000277.3(PAH):c.506G>A (p.Arg169His)

Gene: PAH. ClinVar aggregate classification (germline): Likely pathogenic. Likely pathogenic (1).

Submissions 11 to 23 of 32:

Blueprint Genetics
Classification: Likely pathogenic for PAH-related disorders. Last evaluated: 2024-11-20. Review status: criteria provided, single submitter. Criteria: ACMG Guidelines, 2015. Collection method: clinical testing. Allele origin: germline. Affected: yes. Observed: 5 variant alleles. Not counted in ClinVar's aggregate classification.

Genomic Medicine Center of Excellence, King Faisal Specialist Hospital and Research Centre
Classification: Pathogenic for Phenylketonuria. Last evaluated: 2024-03-23. Review status: criteria provided, single submitter. Criteria: ACMG Guidelines, 2015. Collection method: clinical testing. Allele origin: germline. Not counted in ClinVar's aggregate classification.

Genomic Medicine Center of Excellence, King Faisal Specialist Hospital and Research Centre
Classification: Pathogenic for Pulmonary hypertension, primary, 1. Last evaluated: 2024-03-17. Review status: criteria provided, single submitter. Criteria: ACMG Guidelines, 2015. Collection method: research. Allele origin: germline. Not counted in ClinVar's aggregate classification.

Laboratory of Medical Genetics, National & Kapodistrian University of Athens
Classification: Likely pathogenic for Phenylketonuria. Last evaluated: 2024-02-01. Review status: criteria provided, single submitter. Criteria: ACMG Guidelines, 2015. Collection method: curation. Allele origin: germline. Affected: no. Not counted in ClinVar's aggregate classification.

New York Genome Center
Classification: Pathogenic for Phenylketonuria. Last evaluated: 2024-01-18. Review status: criteria provided, single submitter. Criteria: NYGC Assertion Criteria 2020. Collection method: clinical testing. Allele origin: inherited. Observed: 1 variant allele, 1 compound heterozygote. Not counted in ClinVar's aggregate classification.
Comment: The inherited c.506G>A, p.(Arg169His) variant in PAH has previously been reported in the homozygous state or compound heterozygous state in multiple individuals affected with hyperphenylalaninemia (HPA) or mild phenylketonuria (PKU) [PMID: 10234516, 18299955, 26666653, 28982351, 31355225, 32668217]. The c.506G>A variant has been deposited in ClinVar by multiple submitters as pathogenic likely pathogenic [ClinVar ID: 102706]. The c.506G>A variant is observed in 324 alleles with 1 homozygote (~0.02% minor allele frequency) in the gnomAD (v4.0.0) database. The c.506G>A variant in PAH is located in exon 5 of this 13-exon gene and predicted to replace an evolutionarily conserved arginine amino acid with histidine at position 169 in the catalytic domain (143-411aa) [PMID: 34828281] of the encoded protein. In vitro functional studies demonstrated 52% of wild-type enzyme actvitiy in cells carrying c.506G>A variant [PMID: 33677757]. In silico predictions are in favor of damaging effect for p.(Arg169His)) variant's effect [(CADD v1.6 =23.6, REVEL = 0.740)]. Another missense variant affecting the same protein residue p.(Arg169Ser) has been reported in the literature [PMID: 30747360] and ClinVar as pathogenic or likely pathogenic [ClinVar ID: 932262] in individuals with Phenylketonuria. Based on available evidence this paternally inherited heterozygous c.506G>A, p.(Arg169His) variant identified in PAH is classified as pathogenic.

Department of Pathology and Laboratory Medicine, Sinai Health System
Classification: Likely pathogenic for Phenylketonuria. Last evaluated: 2023-01-17. Review status: criteria provided, single submitter. Criteria: ACMG Guidelines, 2015. Collection method: research. Allele origin: germline. Not counted in ClinVar's aggregate classification.

Laboratory for Molecular Medicine, Mass General Brigham Personalized Medicine
Classification: Pathogenic for Phenylketonuria. Last evaluated: 2022-06-30. Review status: criteria provided, single submitter. Criteria: ACMG Guidelines, 2015. Collection method: clinical testing. Allele origin: germline. Not counted in ClinVar's aggregate classification.
Comment: The p.Arg169His variant in PAH has been reported in 18 individuals with phenylalanine hydroxylase deficiency including 16 compound heterozygotes and one homozygote (Desviat 1999 PMID: 10234516, Wang 2018 PMID: 29499199, Su 2019 PMID: 31355225, Hillert 2020 PMID: 32668217), many of whom presented with classical phenylketo It has also been identified 0.55% (19/3472) of Ashkenazi Jewish chromosomes by gnomAD. This variant has been reported in ClinVar as likely pathogenic by the ClinGen PAH Variant Curation Expert Panel using the . ACMG-AMP criteria specific for phenylalanine hydroxylase variants (Zastrow 2018 PMID: 30311390) and is curated in the FDA-recognized human genetic variant database (Variation ID 102706). Computational prediction tools and conservation analyses do not provide strong support for or against an impact to the protein. Three additional variants involving this codon (p.Arg169Ser, p.Arg169Gly, and p.Arg169Cys) have been identified in individuals with phenylalanine hydroxylase deficiency and are classified as likely pathogenic or pathogenic by the ClinGen PAH Variant Curation Expert Panel. In summary, this variant meets criteria to be classified as pathogenic for autosomal recessive phenylalanine hydroxylase deficiency. ACMG/AMP Criteria applied: PP4_Moderate, PM5, BS1_Supporting, PM3_VeryStrong.

Ambry Genetics
Classification: Likely pathogenic for Inborn genetic diseases. Last evaluated: 2022-02-01. Review status: criteria provided, single submitter. Criteria: Ambry Variant Classification Scheme 2023. Collection method: clinical testing. Allele origin: germline. Not counted in ClinVar's aggregate classification.
Comment: The c.506G>A (p.R169H) alteration is located in exon 5 (coding exon 5) of the PAH gene. This alteration results from a G to A substitution at nucleotide position 506, causing the arginine (R) at amino acid position 169 to be replaced by a histidine (H). Based on data from gnomAD, the A allele has an overall frequency of 0.03% (77/281982) total alleles studied. The highest observed frequency was 0.59% (61/10348) of Ashkenazi Jewish alleles. This alteration has been reported in the compound heterozygous state with a second PAH alteration in multiple patients with hyperphenylalaninemia (Desviat, 1999; Dobrowolski, 2011; Jeannesson-Thivisol, 2015; Liu, 2017; Rajabi, 2019). This amino acid position is highly conserved in available vertebrate species. Based on internal structural analysis, R169H is deleterious. The variant is mildly destabilizing to the local structure. The in silico prediction for this alteration is inconclusive. Based on the available evidence, this alteration is classified as likely pathogenic.

MGZ Medical Genetics Center
Classification: Likely pathogenic for Phenylketonuria. Last evaluated: 2022-01-04. Review status: criteria provided, single submitter. Criteria: ACMG Guidelines, 2015. Collection method: clinical testing. Allele origin: germline. Affected: yes. Observed: 1 variant allele. Not counted in ClinVar's aggregate classification.
Comment: ACMG criteria applied: PM3_STR, PP4_MOD, PP3

Fulgent Genetics
Classification: Likely pathogenic for Phenylketonuria. Last evaluated: 2021-11-03. Review status: criteria provided, single submitter. Criteria: ACMG Guidelines, 2015. Collection method: clinical testing. Allele origin: unknown. Not counted in ClinVar's aggregate classification.

Women's Health and Genetics/Laboratory Corporation of America, LabCorp
Classification: Pathogenic for 6-Pyruvoyl-tetrahydrobiopterin synthase deficiency. Last evaluated: 2021-06-28. Review status: criteria provided, single submitter. Criteria: LabCorp Variant Classification Summary - May 2015. Collection method: clinical testing. Allele origin: germline. Not counted in ClinVar's aggregate classification.
Comment: Variant summary: PAH c.506G>A (p.Arg169His) results in a non-conservative amino acid change located in the Aromatic amino acid hydroxylase, C-terminal domain (IPR019774) of the encoded protein sequence. Four of five in-silico tools predict a damaging effect of the variant on protein function. The variant allele was found at a frequency of 0.00026 in 395274 control chromosomes in the gnomAD database (v2.1 and v3.1 datasets), including 1 homozygote. This frequency is not higher than the maximum expected for a pathogenic variant in PAH causing Hyperphenylalaninemia (0.00026 vs 0.0079), allowing no conclusion about variant significance. c.506G>A, has been reported in the literature in multiple mild hyperphenylalaninaemia (MHP) patients with another pathogenic variant on the other allele (e.g. Desviat_1999, Bercovich_2008, Jeannesson-Thivisol_2015, Liu_2017, Garbade_2019, Rajabi_2019, Ngiwsara_2021). In addition, a recent meta-analysis reported the variant in several compound heterozygous patients and in one homozygote, in association with MHP, and an allelic phenotype value of 10 (Hillert_2020). At least one publication reported experimental evidence evaluating an impact on protein function, and demonstrated that the variant had a residual activity of 52% of the wild type enzyme (Ngiwsara_2021). Nine other submitters, including one expert panel (ClinGen), have provided clinical-significance assessments for this variant in ClinVar after 2014 and classified the variant as likely pathogenic (n=6; including the expert panel), pathogenic (n=1) and VUS (n=2). Based on the evidence outlined above, the variant was classified as pathogenic.

CeGaT Center for Human Genetics Tuebingen
Classification: Likely pathogenic. Last evaluated: 2019-04-01. Review status: criteria provided, single submitter. Criteria: CeGaT Center For Human Genetics Tuebingen Variant Classification Criteria Version 2. Collection method: clinical testing. Allele origin: germline. Affected: yes. Observed: 2 variant alleles. Not counted in ClinVar's aggregate classification.

Victorian Clinical Genetics Services, Murdoch Childrens Research Institute
Classification: Pathogenic for Phenylketonuria. Last evaluated: 2018-10-12. Review status: criteria provided, single submitter. Criteria: ACMG Guidelines, 2015. Collection method: clinical testing. Allele origin: paternal. Observed: 2 variant alleles. Not counted in ClinVar's aggregate classification.
Comment: A heterozygous missense variant, NM_000277.1(PAH):c.506G>A, has been identified in exon 5 of 13 of the PAH gene. The variant is predicted to result in a minor amino acid change from an arginine to a histidine at position 169 of the protein, NP_000268.1(PAH):p.(Arg169His). The arginine residue at this position has moderate conservation (100 vertebrates, UCSC), and is located within the Biopterin domain. In silico predictions of pathogenicity for this variant are conflicting (Polyphen, SIFT, CADD, Mutation Taster). The variant is present in the gnomAD database at a frequency of 0.029% (78 heterozygotes, 1 homozygote). The variant has previously been described as pathogenic or VUS in multiple patients with mild phenylalanine hydroxylase deficiency (ClinVar). Different variants in the same codon resulting in a change to proline and cysteine, p.(Arg169Pro) and p.(Arg169Cys) have been reported in patients with phenylketonuria (ClinVar). Based on the information available at the time of curation, this variant has been classified as PATHOGENIC. <br />